The following is an entry in ClinVar:

NM_001282225.2(ADA2):c.307A>T (p.Arg103Trp)

Gene: ADA2 (adenosine deaminase 2; minus strand). Cytogenetic location: 22q11.1.
Variant type: single nucleotide variant.
Coding change: c.307A>T on transcript NM_001282225.2 (MANE Select); coding-DNA position 307, A replaced by T.
Protein change: p.Arg103Trp; replaces arginine 103 with tryptophan.
Molecular consequence: missense variant. On other transcripts: intron variant (1).
Genome position (GRCh38, 1-based): chr22:17,209,371, T>A on the plus strand (A>T on the coding strand, the complement: ADA2 is on the minus strand). VCF-style: chr22-17209371-T-A. GRCh37 (hg19) VCF-style: chr22-17690261-T-A.
Other names: c.307A>T, p.Arg103Trp (NM_001282226.2); c.181A>T, p.Arg61Trp (NM_001282227.2, NM_001282228.2); c.-38-2081A>T (NM_001282229.2); short protein forms R61W, R103W.
Identifiers: ClinVar variation 941980 (VCV000941980.7), dbSNP rs1232757006, ClinGen allele CA410230084.

ClinVar aggregate classification (germline): Uncertain significance (1 of 4 stars; one submission).

Conditions:
Deficiency of adenosine deaminase 2. Also called: Polyarteritis nodosa, childhoood-onset; VASCULITIS, AUTOINFLAMMATION, IMMUNODEFICIENCY, AND HEMATOLOGIC DEFECTS SYNDROME; Adenosine Deaminase 2 Deficiency. Identifiers: Orphanet 404553, MedGen C3887654, MONDO:0014306, OMIM 615688, MONDO:0100317.

Allele frequency attached by ClinVar (database versions not stated): gnomAD exomes below 0.00001.
gnomAD v4.1: 2 of 1,613,876 alleles (0.00012%); highest among the groups gnomAD compares: Non-Finnish European, 0.00017%; no homozygotes.

Submission:

Labcorp Genetics (formerly Invitae), Labcorp
Classification: Uncertain significance for Deficiency of adenosine deaminase 2. Last evaluated: 2021-08-28. Review status: criteria provided, single submitter. Criteria: Invitae Variant Classification Sherloc (09022015). Collection method: clinical testing. Allele origin: germline.
Comment: This sequence change replaces arginine with tryptophan at codon 103 of the ADA2 protein (p.Arg103Trp). The arginine residue is weakly conserved and there is a moderate physicochemical difference between arginine and tryptophan. This variant is not present in population databases (ExAC no frequency). This variant has not been reported in the literature in individuals affected with ADA2-related conditions. Algorithms developed to predict the effect of missense changes on protein structure and function are either unavailable or do not agree on the potential impact of this missense change (SIFT: "Deleterious"; PolyPhen-2: "Probably Damaging"; Align-GVGD: "Class C0"). In summary, the available evidence is currently insufficient to determine the role of this variant in disease. Therefore, it has been classified as a Variant of Uncertain Significance.